The following is an entry in ClinVar:

ClinVar aggregate classification (germline): Uncertain significance (1 of 4 stars; one submission).

Conditions:
Hereditary cancer-predisposing syndrome. Also called: Hereditary Cancer Syndrome; Hereditary neoplastic syndrome; Neoplastic Syndromes, Hereditary; Tumor predisposition. Identifiers: Orphanet 140162, MedGen C0027672, MeSH D009386, MONDO:0015356.

Submission:

Ambry Genetics
Classification: Uncertain significance for Hereditary cancer-predisposing syndrome. Last evaluated: 2020-08-28. Review status: criteria provided, single submitter. Criteria: Ambry Variant Classification Scheme 2023. Collection method: clinical testing. Allele origin: germline.
Comment: The p.Y461N variant (also known as c.1381T>A), located in coding exon 9 of the BRIP1 gene, results from a T to A substitution at nucleotide position 1381. The tyrosine at codon 461 is replaced by asparagine, an amino acid with dissimilar properties. This amino acid position is highly conserved in available vertebrate species. In addition, this alteration is predicted to be deleterious by in silico analysis. Since supporting evidence is limited at this time, the clinical significance of this alteration remains unclear.

NM_032043.3(BRIP1):c.1381T>A (p.Tyr461Asn)

Gene: BRIP1 (BRCA1 interacting DNA helicase 1; minus strand). Cytogenetic location: 17q23.2.
Variant type: single nucleotide variant.
Coding change: c.1381T>A on transcript NM_032043.3 (MANE Select); coding-DNA position 1381, T replaced by A.
Protein change: p.Tyr461Asn; replaces tyrosine 461 with asparagine.
Molecular consequence: missense variant.
Genome position (GRCh38, 1-based): chr17:61,793,689, A>T on the plus strand (T>A on the coding strand, the complement: BRIP1 is on the minus strand). VCF-style: chr17-61793689-A-T. GRCh37 (hg19) VCF-style: chr17-59871050-A-T.
Other names: short protein forms Y461N.
Identifiers: ClinVar variation 1771305 (VCV001771305.2), dbSNP rs2145243287, ClinGen allele CA400482239.
Genomic context (GRCh38, chr17:61,793,689, plus strand): 5'-CCATTTTGTGTAAAGTTAAGAGCATTTCATTTCCACTCCATATTTTACAAGCTGATTCAT[A>T]ATCTCTTTCTACAAGATATTCAGCGTTTGCTTCTAACCAACTGAAATAAAATAAAACAAT-3'
Protein context (NP_114432.2, residues 451-471): ANAEYLVERD[Tyr461Asn]ESACKIWSGN